The following is an entry in ClinVar:

NM_002519.3(NPAT):c.191A>T (p.Asn64Ile)

Gene: NPAT (nuclear protein, coactivator of histone transcription; minus strand). Cytogenetic location: 11q22.3.
Variant type: single nucleotide variant.
Coding change: c.191A>T on transcript NM_002519.3 (MANE Select); coding-DNA position 191, A replaced by T.
Protein change: p.Asn64Ile; replaces asparagine 64 with isoleucine.
Molecular consequence: missense variant.
Genome position (GRCh38, 1-based): chr11:108,193,983, T>A on the plus strand (A>T on the coding strand, the complement: NPAT is on the minus strand). VCF-style: chr11-108193983-T-A. GRCh37 (hg19) VCF-style: chr11-108064710-T-A.
Other names: c.191A>T, p.Asn64Ile (NM_001321307.1); short protein forms N64I.
Identifiers: ClinVar variation 2453740 (VCV002453740.2), dbSNP rs1158201608, ClinGen allele CA382526821.
Genomic context (GRCh38, chr11:108,193,983, plus strand): 5'-CATCAGCAAAAAAACTCCAAATCAGAACTCTTACCTTTTGTTTTCATAGCTACATACTCA[T>A]TTAAAATTGTTGTCAAGTTTTTTCCAAATAAGGACTGAAAAGAAAAAGATCAAATATTAC-3'
Protein context (NP_002510.2, residues 54-74): LFGKNLTTIL[Asn64Ile]EYVAMKTKET

ClinVar aggregate classification (germline): Uncertain significance (1 of 4 stars; one submission).

gnomAD v4.1: 1 of 1,579,530 alleles (0.000063%); highest among the groups gnomAD compares: Non-Finnish European, 0.000087%; no homozygotes.

Submission:

Ambry Genetics
Classification: Uncertain significance. Last evaluated: 2022-11-24. Review status: criteria provided, single submitter. Criteria: Ambry Variant Classification Scheme 2023. Collection method: clinical testing. Allele origin: germline.
Comment: The p.N64I variant (also known as c.191A>T), located in coding exon 3 of the NPAT gene, results from an A to T substitution at nucleotide position 191. The asparagine at codon 64 is replaced by isoleucine, an amino acid with dissimilar properties. This amino acid position is conserved. In addition, the in silico prediction for this alteration is inconclusive. Since supporting evidence is limited at this time, the clinical significance of this alteration remains unclear.